The following is an entry in ClinVar:

ClinVar aggregate classification (germline): Uncertain significance (1 of 4 stars; one submission).

Submission:

Women's Health and Genetics/Laboratory Corporation of America, LabCorp
Classification: Uncertain significance. Last evaluated: 2025-10-06. Review status: criteria provided, single submitter. Criteria: LabCorp Variant Classification Summary - May 2015. Collection method: clinical testing. Allele origin: germline.
Comment: Variant summary: FAM149B1 c.535dupT (p.Ser179PhefsX20) results in a premature termination codon, predicted to cause a truncation of the encoded protein or absence of the protein due to nonsense mediated decay, however current evidence is not sufficient to establish loss of function as a mechanism for disease. The variant was absent in 156058 control chromosomes. The available data on variant occurrences in the general population are insufficient to allow any conclusion about variant significance. To our knowledge, no occurrence of c.535dupT in individuals affected with FAM149B1-related conditions and no experimental evidence demonstrating its impact on protein function have been reported. No submitters have cited clinical-significance assessments for this variant to ClinVar. Based on the evidence outlined above, the variant was classified as uncertain significance.

NM_173348.2(FAM149B1):c.535dup (p.Ser179fs)

Gene: FAM149B1 (family with sequence similarity 149 member B1; plus strand). Cytogenetic location: 10q22.2.
Variant type: Duplication.
Coding change: c.535dup on transcript NM_173348.2 (MANE Select); coding-DNA position 535, one base duplicated (T; older notation c.535dupT).
Protein change: p.Ser179fs; shifts the reading frame from serine 179.
Molecular consequence: frameshift variant.
Genome position (GRCh38, 1-based): chr10:73,193,586, T duplicated; the last of 2 consecutive T bases (chr10:73,193,585-73,193,586); duplicating either gives the same sequence. VCF-style (leftmost placement, unchanged base first): chr10-73193584-A-AT. GRCh37 (hg19) VCF-style: chr10-74953342-A-AT.
Other names: c.535dupT (NM_173348.2); short protein forms S179fs.
Identifiers: ClinVar variation 4687571 (VCV004687571.1).